The following is an entry in ClinVar:

ClinVar aggregate classification (germline): Likely pathogenic (1 of 4 stars; one submission).

Conditions:
Coronary heart disease, susceptibility to, 7. Identifiers: MedGen C1970441, MONDO:0012585, OMIM 610938.
Malaria, susceptibility to. Identifiers: Orphanet 673, MedGen C1970028, MONDO:0021024, OMIM 611162.
Platelet-type bleeding disorder 10. Also called: CD36 DEFICIENCY. Identifiers: MedGen C1842090, MONDO:0012031, OMIM 608404.

Submission:

Juno Genomics, Hangzhou Juno Genomics, Inc
Classification: Likely pathogenic for Coronary heart disease, susceptibility to, 7; Malaria, susceptibility to; Platelet-type bleeding disorder 10. Review status: criteria provided, single submitter. Criteria: ACMG Guidelines, 2015. Collection method: clinical testing. Allele origin: germline.
Comment: Absent from controls (or at extremely low frequency if recessive) in Genome Aggregation Database.;Null variant in a gene where loss of function (LOF) is a known mechanism of disease.

NM_001001548.3(CD36):c.1340_1343dup (p.Leu448fs)

Gene: CD36 (CD36 molecule (CD36 blood group); plus strand). Cytogenetic location: 7q21.11.
Variant type: Duplication.
Coding change: c.1340_1343dup on transcript NM_001001548.3 (MANE Select); coding-DNA positions 1340 to 1343, 4 bases duplicated (TCTT; older notation c.1340_1343dupTCTT).
Protein change: p.Leu448fs; shifts the reading frame from leucine 448.
Molecular consequence: frameshift variant. On other transcripts: non-coding transcript variant (1).
Genome position (GRCh38, 1-based): chr7:80,674,068-80,674,071, TCTT duplicated. VCF-style (leftmost placement, unchanged base first): chr7-80674067-A-ATCTT. GRCh37 (hg19) VCF-style: chr7-80303383-A-ATCTT.
Other names: c.1160_1163dup, p.Leu388fs (NM_001289909.1); c.1112_1115dup, p.Leu372fs (NM_001289911.2); c.1340_1343dup, p.Leu448fs (NM_001371074.1, NM_001371075.1, NM_001371077.1 and 5 more transcripts); c.1238_1241dup, p.Leu414fs (NM_001371079.1); c.875_878dup, p.Leu293fs (NM_001371080.1, NM_001371081.1); c.1223_1226dup, p.Leu409fs (NM_001289908.1); short protein forms L448fs, L293fs, L372fs, L388fs, L409fs, L414fs.
Identifiers: ClinVar variation 5019787 (VCV005019787.2).